The following is an entry in ClinVar:

NM_000051.4(ATM):c.622A>T (p.Lys208Ter)

Gene: ATM (ATM serine/threonine kinase; plus strand). Cytogenetic location: 11q22.3.
Variant type: single nucleotide variant.
Coding change: c.622A>T on transcript NM_000051.4 (MANE Select); coding-DNA position 622, A replaced by T.
Protein change: p.Lys208Ter; replaces lysine 208 with a stop codon.
Molecular consequence: nonsense.
Genome position (GRCh38, 1-based): chr11:108,244,078, A>T. VCF-style: chr11-108244078-A-T. GRCh37 (hg19) VCF-style: chr11-108114805-A-T.
Other names: c.622A>T, p.Lys208Ter (NM_001351834.2); short protein forms K208*.
Identifiers: ClinVar variation 2010478 (VCV002010478.4), dbSNP rs1292617227, ClinGen allele CA382528292.

ClinVar aggregate classification (germline): Pathogenic (1 of 4 stars; one submission).

Conditions:
Ataxia-telangiectasia syndrome (AT). Also called: Cerebello-oculocutaneous telangiectasia; Immunodeficiency with ataxia telangiectasia; Ataxia telangiectasia (A-T); LOUIS-BAR SYNDROME; Ataxia-telangiectasia, complementation group D; AT, COMPLEMENTATION GROUP C. Identifiers: Orphanet 100, MedGen C0004135, MONDO:0008840, OMIM 208900.

Submission:

Labcorp Genetics (formerly Invitae), Labcorp
Classification: Pathogenic for Ataxia-telangiectasia syndrome. Last evaluated: 2022-09-25. Review status: criteria provided, single submitter. Criteria: Invitae Variant Classification Sherloc (09022015). Collection method: clinical testing. Allele origin: germline.
Comment: This sequence change creates a premature translational stop signal (p.Lys208*) in the ATM gene. It is expected to result in an absent or disrupted protein product. Loss-of-function variants in ATM are known to be pathogenic (PMID: 23807571, 25614872). This variant is not present in population databases (gnomAD no frequency). This variant has not been reported in the literature in individuals affected with ATM-related conditions. Algorithms developed to predict the effect of sequence changes on RNA splicing suggest that this variant may disrupt the consensus splice site. For these reasons, this variant has been classified as Pathogenic.

Literature cited by the submitters: PubMed 23807571; PubMed 25614872.